The following is an entry in ClinVar:

ClinVar aggregate classification (germline): Uncertain significance (1 of 4 stars; one submission).

gnomAD v4.1: 2 of 1,613,876 alleles (0.00012%); highest among the groups gnomAD compares: Admixed American, 0.0033%; no homozygotes.

Submission:

Labcorp Genetics (formerly Invitae), Labcorp
Classification: Uncertain significance. Last evaluated: 2026-01-21. Review status: criteria provided, single submitter. Criteria: Invitae Variant Classification Sherloc (09022015). Collection method: clinical testing. Allele origin: germline.
Comment: This sequence change replaces asparagine, which is neutral and polar, with lysine, which is basic and polar, at codon 4958 of the USH2A protein (p.Asn4958Lys). This variant is present in population databases (no rsID available, gnomAD 0.003%). This variant has not been reported in the literature in individuals affected with USH2A-related conditions. Invitae Evidence Modeling of protein sequence and biophysical properties (such as structural, functional, and spatial information, amino acid conservation, physicochemical variation, residue mobility, and thermodynamic stability) indicates that this missense variant is not expected to disrupt USH2A protein function with a negative predictive value of 95%. In summary, the available evidence is currently insufficient to determine the role of this variant in disease. Therefore, it has been classified as a Variant of Uncertain Significance.

NM_206933.4(USH2A):c.14874C>A (p.Asn4958Lys)

Gene: USH2A (usherin; minus strand). Cytogenetic location: 1q41.
Variant type: single nucleotide variant.
Coding change: c.14874C>A on transcript NM_206933.4 (MANE Select); coding-DNA position 14874, C replaced by A.
Protein change: p.Asn4958Lys; replaces asparagine 4958 with lysine.
Molecular consequence: missense variant.
Genome position (GRCh38, 1-based): chr1:215,640,652, G>T on the plus strand (C>A on the coding strand, the complement: USH2A is on the minus strand). VCF-style: chr1-215640652-G-T. GRCh37 (hg19) VCF-style: chr1-215813994-G-T.
Other names: short protein forms N4958K.
Identifiers: ClinVar variation 4697766 (VCV004697766.1).